The following is an entry in ClinVar:

NM_007327.4(GRIN1):c.121A>T (p.Met41Leu)

Gene: GRIN1 (glutamate ionotropic receptor NMDA type subunit 1; plus strand). Cytogenetic location: 9q34.3.
Variant type: single nucleotide variant.
Coding change: c.121A>T on transcript NM_007327.4 (MANE Select); coding-DNA position 121, A replaced by T.
Protein change: p.Met41Leu; replaces methionine 41 with leucine.
Molecular consequence: missense variant.
Genome position (GRCh38, 1-based): chr9:137,139,607, A>T. VCF-style: chr9-137139607-A-T. GRCh37 (hg19) VCF-style: chr9-140034059-A-T.
Other names: c.121A>T, p.Met41Leu (NM_000832.7, NM_001185090.2, NM_001185091.2 and 1 more transcripts); short protein forms M41L.
Identifiers: ClinVar variation 3693376 (VCV003693376.2).

ClinVar aggregate classification (germline): Uncertain significance (1 of 4 stars; one submission).

Conditions:
Neurodevelopmental disorder with or without hyperkinetic movements and seizures, autosomal dominant. Also called: Intellectual disability, autosomal dominant 8. Identifiers: MedGen C3280282, MONDO:0013655, OMIM 614254.

Submission:

Labcorp Genetics (formerly Invitae), Labcorp
Classification: Uncertain significance for Neurodevelopmental disorder with or without hyperkinetic movements and seizures, autosomal dominant. Last evaluated: 2025-07-22. Review status: criteria provided, single submitter. Criteria: Invitae Variant Classification Sherloc (09022015). Collection method: clinical testing. Allele origin: germline.
Comment: This sequence change replaces methionine, which is neutral and non-polar, with leucine, which is neutral and non-polar, at codon 41 of the GRIN1 protein (p.Met41Leu). This variant is not present in population databases (gnomAD no frequency). This variant has not been reported in the literature in individuals affected with GRIN1-related conditions. ClinVar contains an entry for this variant (Variation ID: 3693376). Invitae Evidence Modeling of protein sequence and biophysical properties (such as structural, functional, and spatial information, amino acid conservation, physicochemical variation, residue mobility, and thermodynamic stability) indicates that this missense variant is not expected to disrupt GRIN1 protein function with a negative predictive value of 95%. In summary, the available evidence is currently insufficient to determine the role of this variant in disease. Therefore, it has been classified as a Variant of Uncertain Significance.